The following is an entry in ClinVar:

NM_170707.4(LMNA):c.814del (p.Asp272fs)

Gene: LMNA (lamin A/C; plus strand). Cytogenetic location: 1q22.
Variant type: Deletion.
Coding change: c.814del on transcript NM_170707.4 (MANE Select); coding-DNA position 814, one base deleted (G; older notation c.814delG).
Protein change: p.Asp272fs; shifts the reading frame from aspartic acid 272.
Molecular consequence: frameshift variant. On other transcripts: nonsense (4).
Genome position (GRCh38, 1-based): chr1:156,135,190, G deleted; the last of 2 consecutive G bases (chr1:156,135,189-156,135,190); deleting either gives the same sequence. VCF-style (leftmost placement, unchanged base first): chr1-156135188-TG-T. GRCh37 (hg19) VCF-style: chr1-156104979-TG-T.
Other names: c.150del, p.Ser49_Trp50insTer (NM_001407000.1, NM_001407001.1, NM_001406994.1 and 1 more transcripts); c.256del, p.Asp86fs (NM_001407002.1, NM_001407003.1, NM_001406990.1 and 4 more transcripts); c.814del, p.Asp272fs (NM_005572.4, NM_001282625.2, NM_170708.4 and 6 more transcripts); c.478del, p.Asp160fs (NM_001257374.3, NM_001406989.1, NM_001406998.1); c.571del, p.Asp191fs (NM_001282624.2, NM_001406986.1, NM_001406987.1); c.517del, p.Asp173fs (NM_001406988.1); short protein forms D272fs, D86fs, D173fs, D160fs, D191fs.
Identifiers: ClinVar variation 3661657 (VCV003661657.2).

ClinVar aggregate classification (germline): Pathogenic (1 of 4 stars; one submission).

Conditions:
Charcot-Marie-Tooth disease type 2. Also called: Charcot-Marie-Tooth type 2. Identifiers: Orphanet 64746, MedGen C0270914, MONDO:0018993.

Submission:

Labcorp Genetics (formerly Invitae), Labcorp
Classification: Pathogenic for Charcot-Marie-Tooth disease type 2. Last evaluated: 2024-08-13. Review status: criteria provided, single submitter. Criteria: Invitae Variant Classification Sherloc (09022015). Collection method: clinical testing. Allele origin: germline.
Comment: This sequence change creates a premature translational stop signal (p.Asp272Thrfs*208) in the LMNA gene. It is expected to result in an absent or disrupted protein product. Loss-of-function variants in LMNA are known to be pathogenic (PMID: 18585512, 18926329). This variant is not present in population databases (gnomAD no frequency). This variant has not been reported in the literature in individuals affected with LMNA-related conditions. For these reasons, this variant has been classified as Pathogenic.

Literature cited by the submitters: PubMed 18585512; PubMed 18926329.